The following is an entry in ClinVar:

NM_001843.4(CNTN1):c.704-3T>C

Gene: CNTN1 (contactin 1; plus strand). Cytogenetic location: 12q12.
Variant type: single nucleotide variant.
Coding change: c.704-3T>C on transcript NM_001843.4 (MANE Select); 3 bases into the intron before coding-DNA position 704, T replaced by C.
Molecular consequence: intron variant.
Genome position (GRCh38, 1-based): chr12:40,933,458, T>C. VCF-style: chr12-40933458-T-C. GRCh37 (hg19) VCF-style: chr12-41327260-T-C.
Other names: c.704-3T>C (NM_001256063.2, NM_001256064.2); c.671-3T>C (NM_175038.2).
Identifiers: ClinVar variation 3677509 (VCV003677509.2).
Genomic context (GRCh38, chr12:40,933,458, plus strand): 5'-GTTTAAGAATAACTAATATTGTGCCTAATAATTAGTGGATATTTGTGTTTCTCTTAATAT[T>C]AGGAACAACAAAACCATATCCTGCTGATATTGTAGTTCAGTTCAAGGATGTATATGCATT-3'

ClinVar aggregate classification (germline): Uncertain significance (1 of 4 stars; one submission).

Conditions:
Compton-North congenital myopathy (CMYO12). Identifiers: Orphanet 210163, MedGen C2675527, MONDO:0012929, OMIM 612540.

gnomAD v4.1: 9 of 1,584,000 alleles (0.00057%); highest among the groups gnomAD compares: South Asian, 0.0033%; no homozygotes.

Submission:

Labcorp Genetics (formerly Invitae), Labcorp
Classification: Uncertain significance for Compton-North congenital myopathy. Last evaluated: 2024-05-22. Review status: criteria provided, single submitter. Criteria: Invitae Variant Classification Sherloc (09022015). Collection method: clinical testing. Allele origin: germline.
Comment: This sequence change falls in intron 7 of the CNTN1 gene. It does not directly change the encoded amino acid sequence of the CNTN1 protein. It affects a nucleotide within the consensus splice site. This variant is present in population databases (rs552483875, gnomAD 0.006%). This variant has not been reported in the literature in individuals affected with CNTN1-related conditions. Variants that disrupt the consensus splice site are a relatively common cause of aberrant splicing (PMID: 17576681, 9536098). Algorithms developed to predict the effect of sequence changes on RNA splicing suggest that this variant is not likely to affect RNA splicing. In summary, the available evidence is currently insufficient to determine the role of this variant in disease. Therefore, it has been classified as a Variant of Uncertain Significance.

Literature cited by the submitters: PubMed 17576681; PubMed 9536098.